The following is an entry in ClinVar:

NM_002242.4(KCNJ13):c.485G>A (p.Arg162Gln)

Genes: GIGYF2 (GRB10 interacting GYF protein 2; plus strand), KCNJ13 (potassium inwardly rectifying channel subfamily J member 13; minus strand). Cytogenetic location: 2q37.1.
Variant type: single nucleotide variant.
Coding change: c.485G>A on transcript NM_002242.4 (MANE Select); coding-DNA position 485, G replaced by A.
Protein change: p.Arg162Gln; replaces arginine 162 with glutamine.
Molecular consequence: missense variant. On other transcripts: synonymous variant (1), intron variant (4).
Genome position (GRCh38, 1-based): chr2:232,768,789, C>T on the plus strand (G>A on the coding strand, the complement: KCNJ13 is on the minus strand). VCF-style: chr2-232768789-C-T. GRCh37 (hg19) VCF-style: chr2-233633499-C-T.
Other names: c.249G>A, p.Pro83= (NM_001172416.1); c.245G>A, p.Arg82Gln (NM_001172417.1); c.532+7353C>T (NM_001103146.3, NM_015575.4, NM_001103147.2 and 1 more transcripts); short protein forms R162Q, R82Q.
Identifiers: ClinVar variation 899321 (VCV000899321.14), dbSNP rs757304681, ClinGen allele CA2170023.

ClinVar aggregate classification (germline): Uncertain significance. Review status: criteria provided, multiple submitters, no conflicts (2 of 4 stars). 6 submissions from 6 submitters: Uncertain significance (6). Last evaluated 2024-10-02.

Conditions:
Snowflake vitreoretinal degeneration (SVD). Identifiers: Orphanet 91496, MedGen C1860405, MONDO:0008663, OMIM 193230, HP:0011533.
Leber congenital amaurosis 16 (LCA16). Identifiers: Orphanet 65, MedGen C3280062, MONDO:0013613, OMIM 614186.
Retinal dystrophy. Also called: Inherited retinal dystrophy. Identifiers: Orphanet 71862, MedGen C0854723, MeSH D058499, MONDO:0019118, HP:0000556.

Allele frequency attached by ClinVar (database versions not stated): TOPMed 0.00006; gnomAD 0.00013; ExAC 0.00028; gnomAD exomes 0.00028.
gnomAD v4.1: 264 of 1,600,778 alleles (0.016%); highest among the groups gnomAD compares: South Asian, 0.06%; no homozygotes.

Submissions (6):

Blueprint Genetics
Classification: Uncertain significance. Last evaluated: 2024-10-02. Review status: criteria provided, single submitter. Criteria: ACMG Guidelines, 2015. Collection method: clinical testing. Allele origin: germline.

Labcorp Genetics (formerly Invitae), Labcorp
Classification: Uncertain significance. Last evaluated: 2024-09-29. Review status: criteria provided, single submitter. Criteria: Invitae Variant Classification Sherloc (09022015). Collection method: clinical testing. Allele origin: germline.
Comment: This sequence change replaces arginine, which is basic and polar, with glutamine, which is neutral and polar, at codon 162 of the KCNJ13 protein (p.Arg162Gln). This variant is present in population databases (rs757304681, gnomAD 0.1%). This missense change has been observed in individual(s) with clinical features of inherited retinal dystrophy (PMID: 21763485, 29068479, 32507954). ClinVar contains an entry for this variant (Variation ID: 899321). Invitae Evidence Modeling of protein sequence and biophysical properties (such as structural, functional, and spatial information, amino acid conservation, physicochemical variation, residue mobility, and thermodynamic stability) indicates that this missense variant is not expected to disrupt KCNJ13 protein function with a negative predictive value of 80%. This variant disrupts the p.Arg162 amino acid residue in KCNJ13. Other variant(s) that disrupt this residue have been determined to be pathogenic (PMID: 18179896, 23255580, 23977131). This suggests that this residue is clinically significant, and that variants that disrupt this residue are likely to be disease-causing. In summary, the available evidence is currently insufficient to determine the role of this variant in disease. Therefore, it has been classified as a Variant of Uncertain Significance.

Institute of Human Genetics, Univ. Regensburg, Univ. Regensburg
Classification: Uncertain significance for Retinal dystrophy. Last evaluated: 2023-01-01. Review status: criteria provided, single submitter. Criteria: ACMG Guidelines, 2015. Collection method: clinical testing. Allele origin: germline. Affected: yes.

Department of Pathology and Laboratory Medicine, Sinai Health System
Classification: Uncertain significance for Snowflake vitreoretinal degeneration; Leber congenital amaurosis 16. Last evaluated: 2022-09-16. Review status: criteria provided, single submitter. Criteria: ACMG Guidelines, 2015. Collection method: research. Allele origin: germline.

Illumina Laboratory Services, Illumina
Classification: Uncertain significance for Leber congenital amaurosis 16. Last evaluated: 2017-04-27. Review status: criteria provided, single submitter. Criteria: ICSL Variant Classification Criteria 13 December 2019. Collection method: clinical testing. Allele origin: germline.
Comment: This variant was observed as part of a predisposition screen in an ostensibly healthy population. A literature search was performed for the gene, cDNA change, and amino acid change (where applicable). Publications were found based on this search. However, the evidence from the literature, in combination with allele frequency data from public databases where available, was not sufficient to rule this variant in or out of causing disease. Therefore, this variant is classified as a variant of unknown significance.

Breakthrough Genomics
Classification: Uncertain significance. Review status: criteria provided, single submitter. Criteria: ACMG Guidelines, 2015. Collection method: not provided. Allele origin: germline. Inheritance: Autosomal recessive inheritance. Affected: yes.

Literature cited by the submitters: PubMed 21763485 (cited by 3 submitters); PubMed 29068479 (cited by Labcorp Genetics (formerly Invitae), Labcorp and Institute of Human Genetics, Univ. Regensburg, Univ. Regensburg); PubMed 32507954 (cited by Labcorp Genetics (formerly Invitae), Labcorp and Institute of Human Genetics, Univ. Regensburg, Univ. Regensburg); PubMed 18179896 (cited by Labcorp Genetics (formerly Invitae), Labcorp); PubMed 23255580 (cited by Labcorp Genetics (formerly Invitae), Labcorp); PubMed 23977131 (cited by Labcorp Genetics (formerly Invitae), Labcorp).